The following is an entry in ClinVar:

NM_001330078.2(NRXN1):c.2078A>T (p.Asp693Val)

Gene: NRXN1 (neurexin 1; minus strand). Cytogenetic location: 2p16.3.
Variant type: single nucleotide variant.
Coding change: c.2078A>T on transcript NM_001330078.2 (MANE Select); coding-DNA position 2078, A replaced by T.
Protein change: p.Asp693Val; replaces aspartic acid 693 with valine.
Molecular consequence: missense variant.
Genome position (GRCh38, 1-based): chr2:50,538,318, T>A on the plus strand (A>T on the coding strand, the complement: NRXN1 is on the minus strand). VCF-style: chr2-50538318-T-A. GRCh37 (hg19) VCF-style: chr2-50765456-T-A.
Other names: c.2075A>T, p.Asp692Val (NM_001330093.2); c.2066A>T, p.Asp689Val (NM_001330094.2); c.2054A>T, p.Asp685Val (NM_001330095.2, NM_001330077.2, NM_001330082.2); c.1994A>T, p.Asp665Val (NM_001330096.2, NM_001330087.2); c.2078A>T, p.Asp693Val (NM_004801.6, NM_001330085.2, NM_001330086.2); c.2198A>T, p.Asp733Val (NM_001135659.3); c.2039A>T, p.Asp680Val (NM_001330083.2, NM_001330084.2); c.2024A>T, p.Asp675Val (NM_001330088.2); short protein forms D665V, D675V, D692V, D685V, D693V, D680V, D689V, D733V.
Identifiers: ClinVar variation 4711244 (VCV004711244.1).

ClinVar aggregate classification (germline): Uncertain significance (1 of 4 stars; one submission).

Conditions:
Pitt-Hopkins-like syndrome 2 (PTHSL2). Identifiers: Orphanet 221150, Orphanet 600663, MedGen C3280479, MONDO:0013690, OMIM 614325.

Submission:

Labcorp Genetics (formerly Invitae), Labcorp
Classification: Uncertain significance for Pitt-Hopkins-like syndrome 2. Last evaluated: 2025-02-17. Review status: criteria provided, single submitter. Criteria: Invitae Variant Classification Sherloc (09022015). Collection method: clinical testing. Allele origin: germline.
Comment: This sequence change replaces aspartic acid, which is acidic and polar, with valine, which is neutral and non-polar, at codon 733 of the NRXN1 protein (p.Asp733Val). This variant is not present in population databases (gnomAD no frequency). This variant has not been reported in the literature in individuals affected with NRXN1-related conditions. An algorithm developed to predict the effect of missense changes on protein structure and function (PolyPhen-2) suggests that this variant is likely to be tolerated. In summary, the available evidence is currently insufficient to determine the role of this variant in disease. Therefore, it has been classified as a Variant of Uncertain Significance.